The following is an entry in ClinVar:

NM_000388.4(CASR):c.1295A>G (p.Gln432Arg)

Gene: CASR (calcium sensing receptor; plus strand). Cytogenetic location: 3q21.1.
Variant type: single nucleotide variant.
Coding change: c.1295A>G on transcript NM_000388.4 (MANE Select); coding-DNA position 1295, A replaced by G.
Protein change: p.Gln432Arg; replaces glutamine 432 with arginine.
Molecular consequence: missense variant.
Genome position (GRCh38, 1-based): chr3:122,262,330, A>G. VCF-style: chr3-122262330-A-G. GRCh37 (hg19) VCF-style: chr3-121981177-A-G.
Other names: c.1295A>G, p.Gln432Arg (NM_001178065.2); short protein forms Q432R.
Identifiers: ClinVar variation 3385267 (VCV003385267.1).

ClinVar aggregate classification (germline): Uncertain significance (1 of 4 stars; one submission).

Submission:

Women's Health and Genetics/Laboratory Corporation of America, LabCorp
Classification: Uncertain significance. Last evaluated: 2024-10-16. Review status: criteria provided, single submitter. Criteria: LabCorp Variant Classification Summary - May 2015. Collection method: clinical testing. Allele origin: germline.
Comment: Variant summary: CASR c.1295A>G (p.Gln432Arg) results in a conservative amino acid change located in the ligand binding region (IPR001828) of the encoded protein sequence. Four of five in-silico tools predict a damaging effect of the variant on protein function. The variant was absent in 251136 control chromosomes. The available data on variant occurrences in the general population are insufficient to allow any conclusion about variant significance. c.1295A>G has been reported in the literature in at least one individual affected with Familial Hypocalciuric Hypercalcemia (Vargas-Poussou_2016, Mouly_2020). These report(s) do not provide unequivocal conclusions about association of the variant with Familial Hypocalciuric Hypercalcemia. To our knowledge, no experimental evidence demonstrating an impact on protein function has been reported. The following publications have been ascertained in the context of this evaluation (PMID: 32347971, 26963950). No submitters have cited clinical-significance assessments for this variant to ClinVar. Based on the evidence outlined above, the variant was classified as uncertain significance.

Literature cited by the submitters: PubMed 26963950; PubMed 32347971.